The following is an entry in ClinVar:

NM_018943.3(TUBA8):c.-2_3+5del

Genes: TUBA8 (tubulin alpha 8; plus strand), LOC130066945 (ATAC-STARR-seq lymphoblastoid silent region 13449; plus strand). Cytogenetic location: 22q11.21.
Variant type: Deletion.
Coding change: c.-2_3+5del on transcript NM_018943.3 (MANE Select); 2 bases upstream of the start codon through 5 bases into the intron after coding-DNA position 3, 10 bases deleted (CGATGGTGAG; older notation c.-2_3+5delCGATGGTGAG).
Molecular consequence: splice donor variant, initiator codon variant. On other transcripts: intron variant (1).
Genome position (GRCh38, 1-based): chr22:18,110,864-18,110,873, CGATGGTGAG deleted; deleting any 10 consecutive bases within chr22:18,110,862-18,110,873 gives the same sequence; the c. name uses the placement nearest the transcript's 3' end. VCF-style (leftmost placement, unchanged base first): chr22-18110861-CAGCGATGGTG-C. GRCh37 (hg19) VCF-style: chr22-18593627-CAGCGATGGTG-C.
Other names: c.-196+25_-196+34del (NM_001193414.2).
Identifiers: ClinVar variation 1916347 (VCV001916347.6), dbSNP rs1160947614, ClinGen allele CA638305839.

ClinVar aggregate classification (germline): Uncertain significance (1 of 4 stars; one submission).

Submission:

Labcorp Genetics (formerly Invitae), Labcorp
Classification: Uncertain significance. Last evaluated: 2025-09-08. Review status: criteria provided, single submitter. Criteria: Invitae Variant Classification Sherloc (09022015). Collection method: clinical testing. Allele origin: germline.
Comment: This sequence change affects the initiator codon of the TUBA8 mRNA. This change may impact translation initiation or efficiency. The next in-frame methionine is located at codon 67. This variant is present in population databases (no rsID available, gnomAD 0.008%). This variant has not been reported in the literature in individuals affected with TUBA8-related conditions. ClinVar contains an entry for this variant (Variation ID: 1916347). In summary, the available evidence is currently insufficient to determine the role of this variant in disease. Therefore, it has been classified as a Variant of Uncertain Significance.